The following is an entry in ClinVar:

ClinVar aggregate classification (germline): Uncertain significance (1 of 4 stars; one submission).

Submission:

CeGaT Center for Human Genetics Tuebingen
Classification: Uncertain significance. Last evaluated: 2026-01-01. Review status: criteria provided, single submitter. Criteria: CeGaT Center For Human Genetics Tuebingen Variant Classification Criteria Version 2. Collection method: clinical testing. Allele origin: germline. Affected: yes. Observed: 1 variant allele.
Comment: ARID1B: PM2, BP4

NM_001374828.1(ARID1B):c.5165C>T (p.Pro1722Leu)

Gene: ARID1B (AT-rich interaction domain 1B; plus strand). Cytogenetic location: 6q25.3.
Variant type: single nucleotide variant.
Coding change: c.5165C>T on transcript NM_001374828.1 (MANE Select); coding-DNA position 5165, C replaced by T.
Protein change: p.Pro1722Leu; replaces proline 1722 with leucine.
Molecular consequence: missense variant.
Genome position (GRCh38, 1-based): chr6:157,201,390, C>T. VCF-style: chr6-157201390-C-T. GRCh37 (hg19) VCF-style: chr6-157522524-C-T.
Other names: c.2666C>T, p.Pro889Leu (NM_001363725.2); c.5045C>T, p.Pro1682Leu (NM_001371656.1, NM_001374820.1); c.5294C>T, p.Pro1765Leu (NM_001438482.1); c.5207C>T, p.Pro1736Leu (NM_001438483.1); c.5075C>T, p.Pro1692Leu (NM_001438485.1); c.5048C>T, p.Pro1683Leu (NM_001438486.1); c.4985C>T, p.Pro1662Leu (NM_001438487.1); c.2507C>T, p.Pro836Leu (NM_001438488.1); and 1 more; short protein forms P1662L, P1669L, P1682L, P1683L, P1692L, P1722L, P1736L, P1765L.
Identifiers: ClinVar variation 4820917 (VCV004820917.4).
Genomic context (GRCh38, chr6:157,201,390, plus strand): 5'-AGATGCAGAAGGTCATGCCCACGGTCCCCACATCCCAGGTCACCGGGCCACCACCCCAAC[C>T]ACCCCCAATCAGAAGGGAGATCACCTTTCCTCCTGGCTCAGTAGAAGCATCACAACCAGT-3'
Protein context (NP_001361757.1, residues 1712-1732): TSQVTGPPPQ[Pro1722Leu]PPIRREITFP